The following is an entry in ClinVar:

NM_015215.4(CAMTA1):c.1654G>A (p.Ala552Thr)

Gene: CAMTA1 (calmodulin binding transcription activator 1; plus strand). Cytogenetic location: 1p36.23.
Variant type: single nucleotide variant.
Coding change: c.1654G>A on transcript NM_015215.4 (MANE Select); coding-DNA position 1654, G replaced by A.
Protein change: p.Ala552Thr; replaces alanine 552 with threonine.
Molecular consequence: missense variant.
Genome position (GRCh38, 1-based): chr1:7,664,201, G>A. VCF-style: chr1-7664201-G-A. GRCh37 (hg19) VCF-style: chr1-7724261-G-A.
Other names: c.1564G>A, p.Ala522Thr (NM_001349608.2, NM_001349612.2); c.1654G>A, p.Ala552Thr (NM_001349609.2, NM_001349610.2, NM_001410737.1); c.1582G>A, p.Ala528Thr (NM_001410738.1); short protein forms A522T, A528T, A552T.
Identifiers: ClinVar variation 3771682 (VCV003771682.13).

ClinVar aggregate classification (germline): Likely benign (1 of 4 stars; one submission).

gnomAD v4.1: 14 of 1,612,584 alleles (0.00087%); highest among the groups gnomAD compares: Admixed American, 0.005%; no homozygotes.

Submission:

CeGaT Center for Human Genetics Tuebingen
Classification: Likely benign. Last evaluated: 2025-02-01. Review status: criteria provided, single submitter. Criteria: CeGaT Center For Human Genetics Tuebingen Variant Classification Criteria Version 2. Collection method: clinical testing. Allele origin: germline. Affected: yes. Observed: 1 variant allele.
Comment: CAMTA1: BP4